The following is an entry in ClinVar:

NM_012309.5(SHANK2):c.2651C>T (p.Ser884Phe)

Gene: SHANK2 (SH3 and multiple ankyrin repeat domains 2; minus strand). Cytogenetic location: 11q13.3.
Variant type: single nucleotide variant.
Coding change: c.2651C>T on transcript NM_012309.5 (MANE Select); coding-DNA position 2651, C replaced by T.
Protein change: p.Ser884Phe; replaces serine 884 with phenylalanine.
Molecular consequence: missense variant.
Genome position (GRCh38, 1-based): chr11:70,487,642, G>A on the plus strand (C>T on the coding strand, the complement: SHANK2 is on the minus strand). VCF-style: chr11-70487642-G-A. GRCh37 (hg19) VCF-style: chr11-70333747-G-A.
Other names: c.2651C>T (NM_012309.3); c.1514C>T, p.Ser505Phe (NM_001379226.1); c.887C>T, p.Ser296Phe (NM_133266.5); short protein forms S505F, S296F, S884F.
Identifiers: ClinVar variation 2271786 (VCV002271786.3), dbSNP rs2058830670, ClinGen allele CA381689361.

ClinVar aggregate classification (germline): Uncertain significance. Review status: criteria provided, multiple submitters, no conflicts (2 of 4 stars). 2 submissions from 2 submitters: Uncertain significance (2). Last evaluated 2022-02-02.

Conditions:
Inborn genetic diseases. Identifiers: MedGen C0950123, MeSH D030342.

Allele frequency attached by ClinVar (database versions not stated): gnomAD exomes below 0.00001.
gnomAD v4.1: 2 of 1,601,230 alleles (0.00012%); highest among the groups gnomAD compares: Non-Finnish European, 0.00017%; no homozygotes.

Submissions (2):

Ambry Genetics
Classification: Uncertain significance for Inborn genetic diseases. Last evaluated: 2022-02-02. Review status: criteria provided, single submitter. Criteria: Ambry Variant Classification Scheme 2023. Collection method: clinical testing. Allele origin: germline.
Comment: The c.887C>T (p.S296F) alteration is located in exon 10 (coding exon 10) of the SHANK2 gene. This alteration results from a C to T substitution at nucleotide position 887, causing the serine (S) at amino acid position 296 to be replaced by a phenylalanine (F). This variant was not reported in population-based cohorts in the Genome Aggregation Database (gnomAD). This amino acid position is highly conserved in available vertebrate species. The in silico prediction for this alteration is inconclusive. Based on insufficient or conflicting evidence, the clinical significance of this alteration remains unclear.

GeneDx
Classification: Uncertain significance. Last evaluated: 2022-01-04. Review status: criteria provided, single submitter. Criteria: GeneDx Variant Classification Process June 2021. Collection method: clinical testing. Allele origin: germline. Affected: yes.
Comment: Not observed at significant frequency in large population cohorts (gnomAD); In silico analysis supports that this missense variant has a deleterious effect on protein structure/function; Has not been previously published as pathogenic or benign to our knowledge